The following is an entry in ClinVar:

ClinVar aggregate classification (germline): Uncertain significance (1 of 4 stars; one submission).

Conditions:
Developmental and epileptic encephalopathy, 9 (DEE9). Also called: Early infantile epileptic encephalopathy 9; JUBERG-HELLMAN SYNDROME; PCDH19-Related X-Linked Female-Limited Epilepsy with Mental Retardation; EPILEPSY, FEMALE-RESTRICTED, WITH MENTAL RETARDATION. Identifiers: Orphanet 101039, Orphanet 2076, MedGen C1848137, MONDO:0010246, OMIM 300088. Disease mechanism: loss of function.

Submission:

Labcorp Genetics (formerly Invitae), Labcorp
Classification: Uncertain significance for Developmental and epileptic encephalopathy, 9. Last evaluated: 2022-04-22. Review status: criteria provided, single submitter. Criteria: Invitae Variant Classification Sherloc (09022015). Collection method: clinical testing. Allele origin: germline.
Comment: In summary, the available evidence is currently insufficient to determine the role of this variant in disease. Therefore, it has been classified as a Variant of Uncertain Significance. Advanced modeling of protein sequence and biophysical properties (such as structural, functional, and spatial information, amino acid conservation, physicochemical variation, residue mobility, and thermodynamic stability) performed at Invitae indicates that this missense variant is not expected to disrupt PCDH19 protein function. This variant has not been reported in the literature in individuals affected with PCDH19-related conditions. This variant is not present in population databases (gnomAD no frequency). This sequence change replaces glutamic acid, which is acidic and polar, with aspartic acid, which is acidic and polar, at codon 910 of the PCDH19 protein (p.Glu910Asp).

NM_001184880.2(PCDH19):c.2730G>C (p.Glu910Asp)

Gene: PCDH19 (protocadherin 19; minus strand). Cytogenetic location: Xq22.1.
Variant type: single nucleotide variant.
Coding change: c.2730G>C on transcript NM_001184880.2 (MANE Select); coding-DNA position 2730, G replaced by C.
Protein change: p.Glu910Asp; replaces glutamic acid 910 with aspartic acid.
Molecular consequence: missense variant.
Genome position (GRCh38, 1-based): chrX:100,342,021, C>G on the plus strand (G>C on the coding strand, the complement: PCDH19 is on the minus strand). VCF-style: chrX-100342021-C-G. GRCh37 (hg19) VCF-style: chrX-99597019-C-G.
Other names: c.2589G>C, p.Glu863Asp (NM_001105243.2); c.2586G>C, p.Glu862Asp (NM_020766.3); short protein forms E862D, E863D, E910D.
Identifiers: ClinVar variation 2129183 (VCV002129183.4), dbSNP rs1190810313, ClinGen allele CA414000143.
Genomic context (GRCh38, chrX:100,342,021, plus strand): 5'-AGCAGTATCACAATACAGGCTCCGCTGGACATCATGCTCACTGTCAGTTTGGTCACTCTC[C>G]TCATGTCCACTATCCTTCAGGCTGTTGCCCTCTAAGTCCTTGAAGGTGGAGCTGCTGGGT-3'
Protein context (NP_001171809.1, residues 900-920): EGNSLKDSGH[Glu910Asp]ESDQTDSEHD